The following is an entry in ClinVar:

ClinVar aggregate classification (germline): Uncertain significance (1 of 4 stars; one submission).

Conditions:
Combined deficiency of sialidase AND beta galactosidase (GSL). Also called: GOLDBERG SYNDROME; NEURAMINIDASE DEFICIENCY WITH BETA-GALACTOSIDASE DEFICIENCY; NEURAMINIDASE/BETA-GALACTOSIDASE EXPRESSION; CATHEPSIN A DEFICIENCY; PPCA DEFICIENCY; PROTECTIVE PROTEIN/CATHEPSIN A DEFICIENCY. Identifiers: Orphanet 351, MedGen C0268233, MONDO:0009737, OMIM 256540.

Allele frequency attached by ClinVar (database versions not stated): gnomAD exomes 0.00007 and 0.00003; TOPMed 0.00001; ExAC 0.00004.

Submission:

Labcorp Genetics (formerly Invitae), Labcorp
Classification: Uncertain significance for Combined deficiency of sialidase AND beta galactosidase. Last evaluated: 2022-08-10. Review status: criteria provided, single submitter. Criteria: Invitae Variant Classification Sherloc (09022015). Collection method: clinical testing. Allele origin: germline.
Comment: This sequence change replaces methionine, which is neutral and non-polar, with threonine, which is neutral and polar, at codon 331 of the CTSA protein (p.Met331Thr). This variant is present in population databases (rs759949142, gnomAD 0.05%). This variant has not been reported in the literature in individuals affected with CTSA-related conditions. ClinVar contains an entry for this variant (Variation ID: 1414066). Algorithms developed to predict the effect of missense changes on protein structure and function output the following: SIFT: "Not Available"; PolyPhen-2: "Benign"; Align-GVGD: "Not Available". The threonine amino acid residue is found in multiple mammalian species, which suggests that this missense change does not adversely affect protein function. In summary, the available evidence is currently insufficient to determine the role of this variant in disease. Therefore, it has been classified as a Variant of Uncertain Significance.

NM_000308.4(CTSA):c.938T>C (p.Met313Thr)

Gene: CTSA (cathepsin A; plus strand). Cytogenetic location: 20q13.12.
Variant type: single nucleotide variant.
Coding change: c.938T>C on transcript NM_000308.4 (MANE Select); coding-DNA position 938, T replaced by C.
Protein change: p.Met313Thr; replaces methionine 313 with threonine.
Molecular consequence: missense variant. On other transcripts: non-coding transcript variant (1).
Genome position (GRCh38, 1-based): chr20:45,894,891, T>C. VCF-style: chr20-45894891-T-C. GRCh37 (hg19) VCF-style: chr20-44523530-T-C.
Other names: c.938T>C, p.Met313Thr (NM_001127695.3); c.887T>C, p.Met296Thr (NM_001167594.3); short protein forms M313T, M296T.
Identifiers: ClinVar variation 1414066 (VCV001414066.3), dbSNP rs759949142, ClinGen allele CA9883198.